The following is an entry in ClinVar:

ClinVar aggregate classification (germline): Pathogenic (1 of 4 stars; one submission).

Conditions:
Hyperphosphatasia with impaired intellectual development syndrome 2. Also called: Hyperphosphatasia with intellectual disability syndrome 2; GLYCOSYLPHOSPHATIDYLINOSITOL BIOSYNTHESIS DEFECT 6. Identifiers: Orphanet 247262, MedGen C3553637, MONDO:0013882, OMIM 614749.

Submission:

Labcorp Genetics (formerly Invitae), Labcorp
Classification: Pathogenic for Hyperphosphatasia with impaired intellectual development syndrome 2. Last evaluated: 2023-06-29. Review status: criteria provided, single submitter. Criteria: Invitae Variant Classification Sherloc (09022015). Collection method: clinical testing. Allele origin: germline.
Comment: For these reasons, this variant has been classified as Pathogenic. Algorithms developed to predict the effect of sequence changes on RNA splicing suggest that this variant may disrupt the consensus splice site. This variant has not been reported in the literature in individuals affected with PIGO-related conditions. This variant is not present in population databases (gnomAD no frequency). This sequence change creates a premature translational stop signal (p.Gln1023*) in the PIGO gene. It is expected to result in an absent or disrupted protein product. Loss-of-function variants in PIGO are known to be pathogenic (PMID: 22683086, 24417746).

Literature cited by the submitters: PubMed 22683086; PubMed 24417746.

NM_032634.4(PIGO):c.3067C>T (p.Gln1023Ter)

Gene: PIGO (phosphatidylinositol glycan anchor biosynthesis class O; minus strand). Cytogenetic location: 9p13.3.
Variant type: single nucleotide variant.
Coding change: c.3067C>T on transcript NM_032634.4 (MANE Select); coding-DNA position 3067, C replaced by T.
Protein change: p.Gln1023Ter; replaces glutamine 1023 with a stop codon.
Molecular consequence: nonsense.
Genome position (GRCh38, 1-based): chr9:35,090,068, G>A on the plus strand (C>T on the coding strand, the complement: PIGO is on the minus strand). VCF-style: chr9-35090068-G-A. GRCh37 (hg19) VCF-style: chr9-35090065-G-A.
Other names: c.1816C>T, p.Gln606Ter (NM_001201484.2, NM_152850.4); short protein forms Q1023*, Q606*.
Identifiers: ClinVar variation 2732848 (VCV002732848.3), dbSNP rs2490435492, ClinGen allele CA373317451.
Genomic context (GRCh38, chr9:35,090,068, plus strand): 5'-AAAGTGATGCACACACAGAGAAAAAACACCAACTCCCTGATCTCTCTCCTACACCCACCT[G>A]AATACCAAGGATAAAGAGGTACTTGAGGCCCAGCTGCAGCAGTGCTGCATAGAAGTGCTG-3'